The following is an entry in ClinVar:

NM_000492.4(CFTR):c.2428A>T (p.Arg810Ter)

Gene: CFTR (CF transmembrane conductance regulator; plus strand). Cytogenetic location: 7q31.2.
Variant type: single nucleotide variant.
Coding change: c.2428A>T on transcript NM_000492.4 (MANE Select); coding-DNA position 2428, A replaced by T.
Protein change: p.Arg810Ter; replaces arginine 810 with a stop codon.
Molecular consequence: nonsense.
Genome position (GRCh38, 1-based): chr7:117,592,595, A>T. VCF-style: chr7-117592595-A-T. GRCh37 (hg19) VCF-style: chr7-117232649-A-T.
Other names: short protein forms R810*.
Identifiers: ClinVar variation 811333 (VCV000811333.17), dbSNP rs377447726, ClinGen allele CA368981244.

ClinVar aggregate classification (germline): Pathogenic. Review status: criteria provided, multiple submitters, no conflicts (2 of 4 stars). 4 submissions from 4 submitters: Pathogenic (4). Last evaluated 2024-12-17.

Conditions:
Cystic fibrosis (CF). Also called: MUCOVISCIDOSIS. Identifiers: Orphanet 586, MedGen C0010674, MONDO:0009061, OMIM 219700. Disease mechanism: loss of function.

gnomAD v4.1: 1 of 1,528,488 alleles (0.000065%); highest among the groups gnomAD compares: Non-Finnish European, 0.000087%; no homozygotes.

Submissions (4):

Johns Hopkins Genomics, Johns Hopkins University
Classification: Pathogenic for Cystic fibrosis. Last evaluated: 2024-12-17. Review status: criteria provided, single submitter. Criteria: ACMG Guidelines, 2015. Collection method: clinical testing. Allele origin: germline.
Comment: Disease-causing CFTR variant. See CFTR2 for phenotype information.

Ambry Genetics
Classification: Pathogenic for Cystic fibrosis. Last evaluated: 2024-11-15. Review status: criteria provided, single submitter. Criteria: Ambry Variant Classification Scheme 2023. Collection method: clinical testing. Allele origin: germline.
Comment: The p.R810* pathogenic mutation (also known as c.2428A>T), located in coding exon 14 of the CFTR gene, results from an A to T substitution at nucleotide position 2428. This changes the amino acid from an arginine to a stop codon within coding exon 14. This variant is considered to be rare based on population cohorts in the Genome Aggregation Database (gnomAD). This alteration is expected to result in loss of function by premature protein truncation or nonsense-mediated mRNA decay. As such, this alteration is interpreted as a disease-causing mutation.

Labcorp Genetics (formerly Invitae), Labcorp
Classification: Pathogenic for Cystic fibrosis. Last evaluated: 2019-05-02. Review status: criteria provided, single submitter. Criteria: Invitae Variant Classification Sherloc (09022015). Collection method: clinical testing. Allele origin: germline.
Comment: For these reasons, this variant has been classified as Pathogenic. Loss-of-function variants in CFTR are known to be pathogenic (PMID: 1695717, 7691345, 9725922). This variant has not been reported in the literature in individuals with CFTR-related conditions. This variant is not present in population databases (ExAC no frequency). This sequence change creates a premature translational stop signal (p.Arg810*) in the CFTR gene. It is expected to result in an absent or disrupted protein product.

ARUP Laboratories, Molecular Genetics and Genomics, ARUP Laboratories
Classification: Pathogenic. Last evaluated: 2019-03-14. Review status: criteria provided, single submitter. Criteria: ARUP Molecular Germline Variant Investigation Process. Collection method: clinical testing. Allele origin: germline.
Comment: The CFTR c.2428A>T; p.Arg810Ter variant (rs377447726), to our knowledge, is not reported in the medical literature or gene-specific databases. This variant is also absent from general population databases (Exome Variant Server, Genome Aggregation Database), indicating it is not a common polymorphism. This variant induces an early termination codon and is predicted to result in a truncated protein or mRNA subject to nonsense-mediated decay. CFTR loss-of-function is an established mechanism of disease, and truncating variants downstream of p.Arg810Ter have been reported in individuals with cystic fibrosis and are considered pathogenic (Shackleton 1994, CFTR2 database). Based on available information, the p.Arg810Ter variant is considered to be pathogenic. References: CFTR2 database: Shackleton S et al. Identification of rare and novel mutations in the CFTR genes of CF patients in southern England. Hum Mutat. 1994;3(2):141-51.

Literature cited by the submitters: PubMed 1695717 (cited by Labcorp Genetics (formerly Invitae), Labcorp); PubMed 7691345 (cited by Labcorp Genetics (formerly Invitae), Labcorp); PubMed 9725922 (cited by Labcorp Genetics (formerly Invitae), Labcorp).